The following is an entry in ClinVar:

ClinVar aggregate classification (germline): Uncertain significance. Review status: criteria provided, multiple submitters, no conflicts (2 of 4 stars). 2 submissions from 2 submitters: Uncertain significance (2). Last evaluated 2025-12-18.

Conditions:
Inborn genetic diseases. Identifiers: MedGen C0950123, MeSH D030342.
Autosomal recessive Alport syndrome (ATS2). Also called: Alport syndrome type 2; COL4A3-Related Nephropathy; ALPORT SYNDROME 2, AUTOSOMAL RECESSIVE; COL4A4 Alport Syndrome and Thin Basement Membrane Nephropathy. Identifiers: Orphanet 63, Orphanet 88919, MedGen C4746745, MONDO:0008762, OMIM 203780.

gnomAD v4.1: 48 of 1,614,084 alleles (0.003%); highest among the groups gnomAD compares: East Asian, 0.1%; no homozygotes.

Submissions (2):

3billion
Classification: Uncertain significance for Autosomal recessive Alport syndrome. Last evaluated: 2025-12-18. Review status: criteria provided, single submitter. Criteria: ACMG Guidelines, 2015. Collection method: clinical testing. Allele origin: germline. Affected: yes.
Comment: The variant is observed at an extremely low frequency in the gnomAD v4.1.0 dataset (total allele frequency: 0.003%). Predicted Consequence/Location: Intron variant The variant has been reported as of uncertain significance (ClinVar ID: VCV003835274; 3billion dataset).The evidence of pathogenicity is insufficient at this time. Therefore, this variant is classified as VUS according to the recommendation of ACMG/AMP guideline.

Ambry Genetics
Classification: Uncertain significance for Inborn genetic diseases. Last evaluated: 2025-01-10. Review status: criteria provided, single submitter. Criteria: Ambry Variant Classification Scheme 2023. Collection method: clinical testing. Allele origin: germline.
Comment: The c.4522+6G>A intronic alteration consists of a G to A substitution nucleotides after coding exon 45 in the COL4A4 gene. Based on insufficient or conflicting evidence, the clinical significance of this alteration remains unclear.

NM_000092.5(COL4A4):c.4522+6G>A

Gene: COL4A4 (collagen type IV alpha 4 chain; minus strand). Cytogenetic location: 2q36.3.
Variant type: single nucleotide variant.
Coding change: c.4522+6G>A on transcript NM_000092.5 (MANE Select); 6 bases into the intron after coding-DNA position 4522, G replaced by A.
Molecular consequence: intron variant.
Genome position (GRCh38, 1-based): chr2:227,010,307, C>T on the plus strand (G>A on the coding strand, the complement: COL4A4 is on the minus strand). VCF-style: chr2-227010307-C-T. GRCh37 (hg19) VCF-style: chr2-227875023-C-T.
Identifiers: ClinVar variation 3835274 (VCV003835274.3).